The following is an entry in ClinVar:

NM_152703.5(SAMD9L):c.2396T>C (p.Leu799Pro)

Gene: SAMD9L (sterile alpha motif domain containing 9 like; minus strand). Cytogenetic location: 7q21.2.
Variant type: single nucleotide variant.
Coding change: c.2396T>C on transcript NM_152703.5 (MANE Select); coding-DNA position 2396, T replaced by C.
Protein change: p.Leu799Pro; replaces leucine 799 with proline.
Molecular consequence: missense variant.
Genome position (GRCh38, 1-based): chr7:93,133,576, A>G on the plus strand (T>C on the coding strand, the complement: SAMD9L is on the minus strand). VCF-style: chr7-93133576-A-G. GRCh37 (hg19) VCF-style: chr7-92762889-A-G.
Other names: c.2396T>C, p.Leu799Pro (NM_001303496.3, NM_001303497.3, NM_001303498.3 and 5 more transcripts); short protein forms L799P.
Identifiers: ClinVar variation 1995335 (VCV001995335.4), dbSNP rs2535420685, ClinGen allele CA368190740.
Genomic context (GRCh38, chr7:93,133,576, plus strand): 5'-TGGATGGCATTTTGTAGAAAGTAGACATTTTCTTGTTCTTCAAAATCATCCACAAGGAGA[A>G]GCACAGGAATGTAATCCTGATGGCTCTTTGCCCTATAGGTGACCAGATTGATCACTTGCT-3'
Protein context (NP_689916.2, residues 789-809): AKSHQDYIPV[Leu799Pro]LLVDDFEEQE

ClinVar aggregate classification (germline): Uncertain significance (1 of 4 stars; one submission).

Submission:

Labcorp Genetics (formerly Invitae), Labcorp
Classification: Uncertain significance. Last evaluated: 2022-05-16. Review status: criteria provided, single submitter. Criteria: Invitae Variant Classification Sherloc (09022015). Collection method: clinical testing. Allele origin: germline.
Comment: In summary, the available evidence is currently insufficient to determine the role of this variant in disease. Therefore, it has been classified as a Variant of Uncertain Significance. Algorithms developed to predict the effect of missense changes on protein structure and function are either unavailable or do not agree on the potential impact of this missense change (SIFT: "Not Available"; PolyPhen-2: "Probably Damaging"; Align-GVGD: "Not Available"). This variant has not been reported in the literature in individuals affected with SAMD9L-related conditions. This variant is not present in population databases (gnomAD no frequency). This sequence change replaces leucine, which is neutral and non-polar, with proline, which is neutral and non-polar, at codon 799 of the SAMD9L protein (p.Leu799Pro).